The following is an entry in ClinVar:

ClinVar aggregate classification (germline): Uncertain significance (1 of 4 stars; one submission).

Conditions:
Hypertrophic cardiomyopathy. Also called: HYPERTROPHIC MYOCARDIOPATHY. Identifiers: Orphanet 217569, MedGen C0007194, MeSH D002312, MONDO:0005045, HP:0001639.

Submission:

Labcorp Genetics (formerly Invitae), Labcorp
Classification: Uncertain significance for Hypertrophic cardiomyopathy. Last evaluated: 2022-06-21. Review status: criteria provided, single submitter. Criteria: Invitae Variant Classification Sherloc (09022015). Collection method: clinical testing. Allele origin: germline.
Comment: In summary, the available evidence is currently insufficient to determine the role of this variant in disease. Therefore, it has been classified as a Variant of Uncertain Significance. Variants that disrupt the consensus splice site are a relatively common cause of aberrant splicing (PMID: 17576681, 9536098). Algorithms developed to predict the effect of sequence changes on RNA splicing suggest that this variant may disrupt the consensus splice site. This variant has not been reported in the literature in individuals affected with TPM1-related conditions. This variant is not present in population databases (gnomAD no frequency). This sequence change affects codon 213 of the TPM1 mRNA. It is a 'silent' change, meaning that it does not change the encoded amino acid sequence of the TPM1 protein. This variant also falls at the last nucleotide of exon 6, which is part of the consensus splice site for this exon.

Literature cited by the submitters: PubMed 17576681; PubMed 9536098.

NM_001018005.2(TPM1):c.639G>A (p.Lys213=)

Gene: TPM1 (tropomyosin 1; plus strand). Cytogenetic location: 15q22.2.
Variant type: single nucleotide variant.
Coding change: c.639G>A on transcript NM_001018005.2 (MANE Select); coding-DNA position 639, G replaced by A.
Protein change: p.Lys213=; no amino-acid change (lysine 213 retained).
Molecular consequence: synonymous variant. On other transcripts: non-coding transcript variant (16), intron variant (21).
Genome position (GRCh38, 1-based): chr15:63,061,788, G>A. VCF-style: chr15-63061788-G-A. GRCh37 (hg19) VCF-style: chr15-63353987-G-A.
Other names: c.639G>A, p.Lys213= (NM_001018004.2, NM_001018007.2, NM_001301244.2 and 7 more transcripts); c.531G>A, p.Lys177= (NM_001018008.2, NM_001301289.2, NM_001330346.2 and 3 more transcripts); c.765G>A, p.Lys255= (NM_001365778.1, NM_001407324.1); c.640-427G>A (NM_001407336.1, NM_001018020.2, NM_001407326.1 and 10 more transcripts); c.766-427G>A (NM_001407323.1, NM_001407322.1); c.532-427G>A (NM_001330351.2, NM_001330344.2, NM_001365781.2 and 3 more transcripts).
Identifiers: ClinVar variation 2008774 (VCV002008774.4), dbSNP rs2035671896, ClinGen allele CA2580089844.